The following is an entry in ClinVar:

ClinVar aggregate classification (germline): Uncertain significance (1 of 4 stars; one submission).

Submission:

Women's Health and Genetics/Laboratory Corporation of America, LabCorp
Classification: Uncertain significance. Last evaluated: 2025-12-10. Review status: criteria provided, single submitter. Criteria: LabCorp Variant Classification Summary - May 2015. Collection method: clinical testing. Allele origin: germline.
Comment: Variant summary: SLC26A4 c.754T>A (p.Ser252Thr) results in a conservative amino acid change in the encoded protein sequence. Algorithms developed to predict the effect of missense changes on protein structure and function are either unavailable or do not agree on the potential impact of this missense change. The variant was absent in 251316 control chromosomes. The available data on variant occurrences in the general population are insufficient to allow any conclusion about variant significance. To our knowledge, no occurrence of c.754T>A in individuals affected with SLC26A4-related conditions and no experimental evidence demonstrating its impact on protein function have been reported. No submitters have cited clinical-significance assessments for this variant to ClinVar. Based on the evidence outlined above, the variant was classified as uncertain significance.

NM_000441.2(SLC26A4):c.754T>A (p.Ser252Thr)

Gene: SLC26A4 (solute carrier family 26 member 4; plus strand). Cytogenetic location: 7q22.3.
Variant type: single nucleotide variant.
Coding change: c.754T>A on transcript NM_000441.2 (MANE Select); coding-DNA position 754, T replaced by A.
Protein change: p.Ser252Thr; replaces serine 252 with threonine.
Molecular consequence: missense variant.
Genome position (GRCh38, 1-based): chr7:107,675,098, T>A. VCF-style: chr7-107675098-T-A. GRCh37 (hg19) VCF-style: chr7-107315543-T-A.
Other names: short protein forms S252T.
Identifiers: ClinVar variation 4688429 (VCV004688429.1).